The following is an entry in ClinVar:

NM_014727.3(KMT2B):c.5434_5435delinsCT (p.Ser1812Leu)

Gene: KMT2B (lysine methyltransferase 2B; plus strand). Cytogenetic location: 19q13.12.
Variant type: Indel.
Coding change: c.5434_5435delinsCT on transcript NM_014727.3 (MANE Select); coding-DNA positions 5434 to 5435, TC replaced by CT.
Protein change: p.Ser1812Leu; replaces serine 1812 with leucine.
Molecular consequence: missense variant.
Genome position (GRCh38, 1-based): chr19:35,730,864-35,730,865, TC replaced by CT. VCF-style: chr19-35730864-TC-CT. GRCh37 (hg19) VCF-style: chr19-36221765-TC-CT.
Other names: short protein forms S1812L.
Identifiers: ClinVar variation 1804542 (VCV001804542.8), dbSNP rs2513347117, ClinGen allele CA2580096863.

ClinVar aggregate classification (germline): Uncertain significance. Review status: criteria provided, multiple submitters, no conflicts (2 of 4 stars). 2 submissions from 2 submitters: Uncertain significance (2). Last evaluated 2025-04-01.

Submissions (2):

CeGaT Center for Human Genetics Tuebingen
Classification: Uncertain significance. Last evaluated: 2025-04-01. Review status: criteria provided, single submitter. Criteria: CeGaT Center For Human Genetics Tuebingen Variant Classification Criteria Version 2. Collection method: clinical testing. Allele origin: germline. Affected: yes. Observed: 1 variant allele.
Comment: KMT2B: PM2

GeneDx
Classification: Uncertain significance. Last evaluated: 2022-06-15. Review status: criteria provided, single submitter. Criteria: GeneDx Variant Classification Process June 2021. Collection method: clinical testing. Allele origin: germline. Affected: yes.
Comment: Not observed at significant frequency in large population cohorts (gnomAD); In silico analysis supports a deleterious effect on splicing; In silico analysis supports that this variant does not alter protein structure/function; Has not been previously published as pathogenic or benign to our knowledge